The following is an entry in ClinVar:

NM_020070.4(IGLL1):c.542T>C (p.Leu181Pro)

Gene: IGLL1 (immunoglobulin lambda like polypeptide 1; minus strand). Cytogenetic location: 22q11.23.
Variant type: single nucleotide variant.
Coding change: c.542T>C on transcript NM_020070.4 (MANE Select); coding-DNA position 542, T replaced by C.
Protein change: p.Leu181Pro; replaces leucine 181 with proline.
Molecular consequence: missense variant. On other transcripts: 3 prime UTR variant (1).
Genome position (GRCh38, 1-based): chr22:23,573,366, A>G on the plus strand (T>C on the coding strand, the complement: IGLL1 is on the minus strand). VCF-style: chr22-23573366-A-G. GRCh37 (hg19) VCF-style: chr22-23915553-A-G.
Other names: c.545T>C, p.Leu182Pro (NM_001369906.1); c.*171T>C (NM_152855.3); short protein forms L182P, L181P.
Identifiers: ClinVar variation 2739744 (VCV002739744.3), dbSNP rs141308445, ClinGen allele CA322555831.
Genomic context (GRCh38, chr22:23,573,366, plus strand): 5'-CTCCCTTCGTGCATGACCTGGCAGCTGTAGCTTCTGCGGGACCTCCACTGCTCGGGCGTC[A>G]GGCTCAGGTAGCTGCTGGCCGCGTACTTGTTGTTGCTCTGTTTGGAGGGCGTGGTCATCT-3'
Protein context (NP_064455.1, residues 171-191): NKYAASSYLS[Leu181Pro]TPEQWRSRRS

ClinVar aggregate classification (germline): Uncertain significance (1 of 4 stars; one submission).

Conditions:
Agammaglobulinemia 2, autosomal recessive (AGM2). Also called: AGAMMAGLOBULINEMIA, AUTOSOMAL RECESSIVE, DUE TO IGLL1 DEFECT. Identifiers: MedGen C3150750, MONDO:0013287, OMIM 613500.

Allele frequency attached by ClinVar (database versions not stated): TOPMed 0.00002; ESP Exome Variant Server 0.00008.

Submission:

Labcorp Genetics (formerly Invitae), Labcorp
Classification: Uncertain significance for Agammaglobulinemia 2, autosomal recessive. Last evaluated: 2024-01-29. Review status: criteria provided, single submitter. Criteria: Invitae Variant Classification Sherloc (09022015). Collection method: clinical testing. Allele origin: germline.
Comment: This sequence change replaces leucine, which is neutral and non-polar, with proline, which is neutral and non-polar, at codon 181 of the IGLL1 protein (p.Leu181Pro). This variant is not present in population databases (gnomAD no frequency). This variant has not been reported in the literature in individuals affected with IGLL1-related conditions. An algorithm developed to predict the effect of missense changes on protein structure and function (PolyPhen-2) suggests that this variant is likely to be disruptive. In summary, the available evidence is currently insufficient to determine the role of this variant in disease. Therefore, it has been classified as a Variant of Uncertain Significance.